The following is an entry in ClinVar:

NM_014271.4(IL1RAPL1):c.1844A>G (p.Tyr615Cys)

Gene: IL1RAPL1 (interleukin 1 receptor accessory protein like 1; plus strand). Cytogenetic location: Xp21.2.
Variant type: single nucleotide variant.
Coding change: c.1844A>G on transcript NM_014271.4 (MANE Select); coding-DNA position 1844, A replaced by G.
Protein change: p.Tyr615Cys; replaces tyrosine 615 with cysteine.
Molecular consequence: missense variant.
Genome position (GRCh38, 1-based): chrX:29,955,573, A>G. VCF-style: chrX-29955573-A-G. GRCh37 (hg19) VCF-style: chrX-29973690-A-G.
Other names: short protein forms Y615C.
Identifiers: ClinVar variation 3679215 (VCV003679215.2).

ClinVar aggregate classification (germline): Uncertain significance (1 of 4 stars; one submission).

Submission:

Labcorp Genetics (formerly Invitae), Labcorp
Classification: Uncertain significance. Last evaluated: 2026-01-12. Review status: criteria provided, single submitter. Criteria: Invitae Variant Classification Sherloc (09022015). Collection method: clinical testing. Allele origin: germline.
Comment: This sequence change replaces tyrosine, which is neutral and polar, with cysteine, which is neutral and slightly polar, at codon 615 of the IL1RAPL1 protein (p.Tyr615Cys). This variant is not present in population databases (gnomAD no frequency). This variant has not been reported in the literature in individuals affected with IL1RAPL1-related conditions. ClinVar contains an entry for this variant (Variation ID: 3679215). An algorithm developed to predict the effect of missense changes on protein structure and function (PolyPhen-2) suggests that this variant is likely to be tolerated. In summary, the available evidence is currently insufficient to determine the role of this variant in disease. Therefore, it has been classified as a Variant of Uncertain Significance.